The following is an entry in ClinVar:

ClinVar aggregate classification (germline): Likely benign. Review status: criteria provided, multiple submitters, no conflicts (2 of 4 stars). 2 submissions from 2 submitters: Likely benign (2). Last evaluated 2023-08-27.

Conditions:
Ehlers-Danlos syndrome, musculocontractural type 2 (EDSMC2). Identifiers: Orphanet 2953, MedGen C3809845, MONDO:0014236, OMIM 615539.

Allele frequency attached by ClinVar (database versions not stated): gnomAD exomes 0.00001 and 0.00003; ExAC 0.00004.
gnomAD v4.1: 23 of 1,614,140 alleles (0.0014%); highest among the groups gnomAD compares: South Asian, 0.022%; no homozygotes.

Submissions (2):

Labcorp Genetics (formerly Invitae), Labcorp
Classification: Likely benign for Ehlers-Danlos syndrome, musculocontractural type 2. Last evaluated: 2023-08-27. Review status: criteria provided, single submitter. Criteria: Invitae Variant Classification Sherloc (09022015). Collection method: clinical testing. Allele origin: germline.

GeneDx
Classification: Likely benign. Last evaluated: 2018-03-01. Review status: criteria provided, single submitter. Criteria: GeneDx Variant Classification (06012015). Collection method: clinical testing. Allele origin: germline. Affected: yes.
Comment: This variant is considered likely benign or benign based on one or more of the following criteria: it is a conservative change, it occurs at a poorly conserved position in the protein, it is predicted to be benign by multiple in silico algorithms, and/or has population frequency not consistent with disease.

NM_013352.4(DSE):c.136C>T (p.Leu46=)

Gene: DSE (dermatan sulfate epimerase; plus strand). Cytogenetic location: 6q22.1.
Variant type: single nucleotide variant.
Coding change: c.136C>T on transcript NM_013352.4 (MANE Select); coding-DNA position 136, C replaced by T.
Protein change: p.Leu46=; no amino-acid change (leucine 46 retained).
Molecular consequence: synonymous variant. On other transcripts: 5 prime UTR variant (4), non-coding transcript variant (1).
Genome position (GRCh38, 1-based): chr6:116,399,386, C>T. VCF-style: chr6-116399386-C-T. GRCh37 (hg19) VCF-style: chr6-116720549-C-T.
Other names: c.136C>T, p.Leu46= (NM_001080976.3, NM_001322937.2, NM_001322938.2 and 3 more transcripts); c.193C>T, p.Leu65= (NM_001322939.2); c.-422C>T (NM_001322940.2, NM_001322941.2); c.-765C>T (NM_001374520.1); c.-452C>T (NM_001374521.1).
Identifiers: ClinVar variation 515835 (VCV000515835.4), dbSNP rs754023509, ClinGen allele CA3969472.